The following is an entry in ClinVar:

NM_000463.3(UGT1A1):c.865-881G>A

Genes: UGT1A (UDP glucuronosyltransferase family 1 member A complex locus; plus strand), UGT1A1 (UDP glucuronosyltransferase family 1 member A1; plus strand), UGT1A10 (UDP glucuronosyltransferase family 1 member A10; plus strand), UGT1A3 (UDP glucuronosyltransferase family 1 member A3; plus strand), UGT1A4 (UDP glucuronosyltransferase family 1 member A4; plus strand) and 5 more. Cytogenetic location: 2q37.1.
Variant type: single nucleotide variant.
Coding change: c.865-881G>A on transcript NM_000463.3 (MANE Select); 881 bases into the intron before coding-DNA position 865, G replaced by A.
Molecular consequence: intron variant.
Genome position (GRCh38, 1-based): chr2:233,766,153, G>A. VCF-style: chr2-233766153-G-A. GRCh37 (hg19) VCF-style: chr2-234674799-G-A.
Other names: c.856-881G>A (NM_019076.5, NM_019075.4, NM_021027.3 and 1 more transcripts); c.61-881G>A (NM_205862.3); c.862-881G>A (NM_001072.4); c.868-881G>A (NM_019078.2, NM_007120.3, NM_019093.4).
Identifiers: ClinVar variation 4999634 (VCV004999634.1).

ClinVar aggregate classification (germline): Likely benign (1 of 4 stars; one submission).

Conditions:
UGT1A1-related disorder. Also called: UGT1A1-related disorders; UGT1A1-related condition.

Submission:

PreventionGenetics, part of Exact Sciences
Classification: Likely benign for UGT1A1-related condition. Last evaluated: 2025-04-09. Review status: criteria provided, single submitter. Criteria: ACMG Guidelines, 2015. Collection method: clinical testing. Allele origin: germline.
Comment: This variant is classified as likely benign based on ACMG/AMP sequence variant interpretation guidelines (Richards et al. 2015 PMID: 25741868, with internal and published modifications).